The following is an entry in ClinVar:

NM_018896.5(CACNA1G):c.1391T>C (p.Leu464Pro)

Gene: CACNA1G (calcium voltage-gated channel subunit alpha1 G; plus strand). Cytogenetic location: 17q21.33.
Variant type: single nucleotide variant.
Coding change: c.1391T>C on transcript NM_018896.5 (MANE Select); coding-DNA position 1391, T replaced by C.
Protein change: p.Leu464Pro; replaces leucine 464 with proline.
Molecular consequence: missense variant. On other transcripts: non-coding transcript variant (5).
Genome position (GRCh38, 1-based): chr17:50,575,793, T>C. VCF-style: chr17-50575793-T-C. GRCh37 (hg19) VCF-style: chr17-48653154-T-C.
Other names: c.1391T>C, p.Leu464Pro (NM_001256324.2, NM_001256325.2, NM_001256326.2 and 24 more transcripts); short protein forms L464P.
Identifiers: ClinVar variation 3253011 (VCV003253011.2), dbSNP rs2544862054.

ClinVar aggregate classification (germline): Uncertain significance (1 of 4 stars; one submission).

Allele frequency attached by ClinVar (database versions not stated): gnomAD exomes below 0.00001.
gnomAD v4.1: 1 of 1,553,206 alleles (0.000064%); highest among the groups gnomAD compares: Non-Finnish European, 0.000087%; no homozygotes.

Submission:

GeneDx
Classification: Uncertain significance. Last evaluated: 2026-02-06. Review status: criteria provided, single submitter. Criteria: GeneDx Variant Classification Process June 2021. Collection method: clinical testing. Allele origin: germline.
Comment: Has not been previously published as pathogenic or benign to our knowledge; Not observed at significant frequency in large population cohorts (gnomAD); In silico analysis suggests that this missense variant does not alter protein structure/function